The following is an entry in ClinVar:

ClinVar aggregate classification (germline): Conflicting classifications of pathogenicity. Review status: criteria provided, conflicting classifications (1 of 4 stars). 3 submissions from 3 submitters: Uncertain significance (2); Likely benign (1). Last evaluated 2025-03-14.

Conditions:
Hereditary cancer-predisposing syndrome. Also called: Tumor predisposition; Hereditary Cancer Syndrome; Hereditary neoplastic syndrome; Neoplastic Syndromes, Hereditary. Identifiers: Orphanet 140162, MedGen C0027672, MeSH D009386, MONDO:0015356.
POLD1-related polyposis and colorectal cancer syndrome (CRCS10). Also called: Colorectal cancer, susceptibility to, 10; Colorectal cancer 10; COLORECTAL CANCER, SUSCEPTIBILITY TO, ON CHROMOSOME 19q. Identifiers: Orphanet 220460, MedGen C2675481, MONDO:0012953, OMIM 612591.

Submissions (3):

Ambry Genetics
Classification: Likely benign for Hereditary cancer-predisposing syndrome. Last evaluated: 2025-03-14. Review status: criteria provided, single submitter. Criteria: Ambry Variant Classification Scheme 2023. Collection method: clinical testing. Allele origin: germline.

Labcorp Genetics (formerly Invitae), Labcorp
Classification: Uncertain significance for POLD1-related polyposis and colorectal cancer syndrome. Last evaluated: 2025-03-12. Review status: criteria provided, single submitter. Criteria: Invitae Variant Classification Sherloc (09022015). Collection method: clinical testing. Allele origin: germline.
Comment: This sequence change replaces glycine, which is neutral and non-polar, with aspartic acid, which is acidic and polar, at codon 205 of the POLD1 protein (p.Gly205Asp). This variant is not present in population databases (gnomAD no frequency). This variant has not been reported in the literature in individuals affected with POLD1-related conditions. ClinVar contains an entry for this variant (Variation ID: 1308839). Invitae Evidence Modeling of protein sequence and biophysical properties (such as structural, functional, and spatial information, amino acid conservation, physicochemical variation, residue mobility, and thermodynamic stability) indicates that this missense variant is not expected to disrupt POLD1 protein function with a negative predictive value of 80%. In summary, the available evidence is currently insufficient to determine the role of this variant in disease. Therefore, it has been classified as a Variant of Uncertain Significance.

GeneDx
Classification: Uncertain significance. Last evaluated: 2019-09-23. Review status: criteria provided, single submitter. Criteria: GeneDx Variant Classification Process June 2021. Collection method: clinical testing. Allele origin: germline. Affected: yes.
Comment: Not observed in large population cohorts (Lek 2016); In silico analysis, which includes protein predictors and evolutionary conservation, supports that this variant does not alter protein structure/function; Has not been previously published as pathogenic or benign to our knowledge

NM_002691.4(POLD1):c.614G>A (p.Gly205Asp)

Gene: POLD1 (DNA polymerase delta 1, catalytic subunit; plus strand). Cytogenetic location: 19q13.33.
Variant type: single nucleotide variant.
Coding change: c.614G>A on transcript NM_002691.4 (MANE Select); coding-DNA position 614, G replaced by A.
Protein change: p.Gly205Asp; replaces glycine 205 with aspartic acid.
Molecular consequence: missense variant. On other transcripts: non-coding transcript variant (1).
Genome position (GRCh38, 1-based): chr19:50,402,229, G>A. VCF-style: chr19-50402229-G-A. GRCh37 (hg19) VCF-style: chr19-50905486-G-A.
Other names: c.614G>A, p.Gly205Asp (NM_001256849.1, NM_001308632.1); c.614G>A (NM_002691.2); short protein forms G205D.
Identifiers: ClinVar variation 1308839 (VCV001308839.10), dbSNP rs2122243742, ClinGen allele CA406973893.